The following is an entry in ClinVar:

NM_139057.4(ADAMTS17):c.*2313T>C

Gene: ADAMTS17 (ADAM metallopeptidase with thrombospondin type 1 motif 17; minus strand). Cytogenetic location: 15q26.3.
Variant type: single nucleotide variant.
Coding change: c.*2313T>C on transcript NM_139057.4 (MANE Select); 2313 bases downstream of the stop codon, T replaced by C.
Molecular consequence: 3 prime UTR variant.
Genome position (GRCh38, 1-based): chr15:99,972,089, A>G on the plus strand (T>C on the coding strand, the complement: ADAMTS17 is on the minus strand). VCF-style: chr15-99972089-A-G. GRCh37 (hg19) VCF-style: chr15-100512294-A-G.
Identifiers: ClinVar variation 315152 (VCV000315152.5), dbSNP rs562633764, ClinGen allele CA10642821.
Genomic context (GRCh38, chr15:99,972,089, plus strand): 5'-ATCATGAGGTCAGGAGATCGAGACCATCCTGGCTAACATGGTGAAACCCCGTCTCTAGTA[A>G]AAATACAAAAAAGTAGGTGGGCGTGGTGGTGGGCGCCTGTAGTCCCAGCTACTGGGGAGG-3'

ClinVar aggregate classification (germline): Likely benign (1 of 4 stars; one submission).

Conditions:
Weill-Marchesani 4 syndrome, recessive. Also called: Weill-Marchesani syndrome 4. Identifiers: Orphanet 363992, MedGen C2750787, MONDO:0013176, OMIM 613195.

Allele frequency attached by ClinVar (database versions not stated): 1000 Genomes Project 0.00080; 1000 Genomes Project 30x 0.00156; gnomAD 0.00158 and 0.00161; TOPMed 0.00177.

Submission:

Illumina Laboratory Services, Illumina
Classification: Likely benign for Weill-Marchesani 4 syndrome, recessive. Last evaluated: 2018-01-13. Review status: criteria provided, single submitter. Criteria: ICSL Variant Classification Criteria 13 December 2019. Collection method: clinical testing. Allele origin: germline.
Comment: This variant was observed in the ICSL laboratory as part of a predisposition screen in an ostensibly healthy population. It had not been previously curated by ICSL or reported in the Human Gene Mutation Database (HGMD: prior to June 1st, 2018), and was therefore a candidate for classification through an automated scoring system. Utilizing variant allele frequency, disease prevalence and penetrance estimates, and inheritance mode, an automated score was calculated to assess if this variant is too frequent to cause the disease. Based on the score and internal cut-off values, a variant classified as likely benign is not then subjected to further curation. The score for this variant resulted in a classification of likely benign for this disease.